The following is an entry in ClinVar:

ClinVar aggregate classification (germline): Likely benign. Review status: criteria provided, multiple submitters, no conflicts (2 of 4 stars). 2 submissions from 2 submitters: Likely benign (2). Last evaluated 2026-02-26.

Conditions:
COL2A1-related disorder. Also called: COL2A1-related condition; COL2A1-related disorders.

Allele frequency attached by ClinVar (database versions not stated): gnomAD exomes below 0.00001.
gnomAD v4.1: 3 of 1,614,036 alleles (0.00019%); highest among the groups gnomAD compares: African/African-American, 0.0013%; no homozygotes.

Submissions (2):

PreventionGenetics, part of Exact Sciences
Classification: Likely benign for COL2A1-related condition. Last evaluated: 2026-02-26. Review status: criteria provided, single submitter. Criteria: ACMG Guidelines, 2015. Collection method: clinical testing. Allele origin: germline.
Comment: This variant is classified as likely benign based on ACMG/AMP sequence variant interpretation guidelines (Richards et al. 2015 PMID: 25741868, with internal and published modifications).

Labcorp Genetics (formerly Invitae), Labcorp
Classification: Likely benign. Last evaluated: 2026-01-04. Review status: criteria provided, single submitter. Criteria: Invitae Variant Classification Sherloc (09022015). Collection method: clinical testing. Allele origin: germline.

NM_001844.5(COL2A1):c.3117C>T (p.Ser1039=)

Gene: COL2A1 (collagen type II alpha 1 chain; minus strand). Cytogenetic location: 12q13.11.
Variant type: single nucleotide variant.
Coding change: c.3117C>T on transcript NM_001844.5 (MANE Select); coding-DNA position 3117, C replaced by T.
Protein change: p.Ser1039=; no amino-acid change (serine 1039 retained).
Molecular consequence: synonymous variant.
Genome position (GRCh38, 1-based): chr12:47,977,648, G>A on the plus strand (C>T on the coding strand, the complement: COL2A1 is on the minus strand). VCF-style: chr12-47977648-G-A. GRCh37 (hg19) VCF-style: chr12-48371431-G-A.
Other names: c.2910C>T, p.Ser970= (NM_033150.3); c.3117C>T (NM_001844.4).
Identifiers: ClinVar variation 1652155 (VCV001652155.9), dbSNP rs1938799246, ClinGen allele CA479454381.